The following is an entry in ClinVar:

NM_001164508.2(NEB):c.15031T>C (p.Leu5011=)

Gene: NEB (nebulin; minus strand). Cytogenetic location: 2q23.3.
Variant type: single nucleotide variant.
Coding change: c.15031T>C on transcript NM_001164508.2 (MANE Select); coding-DNA position 15031, T replaced by C.
Protein change: p.Leu5011=; no amino-acid change (leucine 5011 retained).
Molecular consequence: synonymous variant. On other transcripts: intron variant (1).
Genome position (GRCh38, 1-based): chr2:151,590,104, A>G on the plus strand (T>C on the coding strand, the complement: NEB is on the minus strand). VCF-style: chr2-151590104-A-G. GRCh37 (hg19) VCF-style: chr2-152446618-A-G.
Other names: c.15031T>C, p.Leu5011= (NM_001164507.2, NM_001271208.2); c.11602-13750T>C (NM_004543.5).
Identifiers: ClinVar variation 388693 (VCV000388693.1), dbSNP rs1057523202, ClinGen allele CA16603853.

ClinVar aggregate classification (germline): Likely benign (1 of 4 stars; one submission).

Submission:

GeneDx
Classification: Likely benign. Last evaluated: 2017-07-20. Review status: criteria provided, single submitter. Criteria: GeneDx Variant Classification (06012015). Collection method: clinical testing. Allele origin: germline. Affected: yes.
Comment: This variant is considered likely benign or benign based on one or more of the following criteria: it is a conservative change, it occurs at a poorly conserved position in the protein, it is predicted to be benign by multiple in silico algorithms, and/or has population frequency not consistent with disease.